The following is an entry in ClinVar:

NM_020207.7(ERCC6L2):c.121T>A (p.Ser41Thr)

Gene: ERCC6L2 (ERCC excision repair 6 like 2; plus strand). Cytogenetic location: 9q22.32.
Variant type: single nucleotide variant.
Coding change: c.121T>A on transcript NM_020207.7 (MANE Select); coding-DNA position 121, T replaced by A.
Protein change: p.Ser41Thr; replaces serine 41 with threonine.
Molecular consequence: missense variant. On other transcripts: non-coding transcript variant (1).
Genome position (GRCh38, 1-based): chr9:95,880,943, T>A. VCF-style: chr9-95880943-T-A. GRCh37 (hg19) VCF-style: chr9-98643225-T-A.
Other names: c.121T>A, p.Ser41Thr (NM_001010895.4, NM_001375291.1, NM_001375292.1 and 2 more transcripts); short protein forms S41T.
Identifiers: ClinVar variation 1714102 (VCV001714102.5), dbSNP rs776723582, ClinGen allele CA374116760.

ClinVar aggregate classification (germline): Uncertain significance (1 of 4 stars; one submission).

Submission:

Labcorp Genetics (formerly Invitae), Labcorp
Classification: Uncertain significance. Last evaluated: 2022-07-29. Review status: criteria provided, single submitter. Criteria: Invitae Variant Classification Sherloc (09022015). Collection method: clinical testing. Allele origin: germline.
Comment: This variant is not present in population databases (gnomAD no frequency). In summary, the available evidence is currently insufficient to determine the role of this variant in disease. Therefore, it has been classified as a Variant of Uncertain Significance. Algorithms developed to predict the effect of missense changes on protein structure and function are either unavailable or do not agree on the potential impact of this missense change (SIFT: "Tolerated"; PolyPhen-2: "Not Available"; Align-GVGD: "Class C0"). This variant has not been reported in the literature in individuals affected with ERCC6L2-related conditions. This sequence change replaces serine, which is neutral and polar, with threonine, which is neutral and polar, at codon 52 of the ERCC6L2 protein (p.Ser52Thr).